The following is an entry in ClinVar:

ClinVar aggregate classification (germline): Uncertain significance (1 of 4 stars; one submission).

Submission:

Labcorp Genetics (formerly Invitae), Labcorp
Classification: Uncertain significance. Last evaluated: 2024-04-22. Review status: criteria provided, single submitter. Criteria: Invitae Variant Classification Sherloc (09022015). Collection method: clinical testing. Allele origin: germline.
Comment: This sequence change replaces lysine, which is basic and polar, with arginine, which is basic and polar, at codon 338 of the LYN protein (p.Lys338Arg). This variant is not present in population databases (gnomAD no frequency). This variant has not been reported in the literature in individuals affected with LYN-related conditions. An algorithm developed to predict the effect of missense changes on protein structure and function (PolyPhen-2) suggests that this variant is likely to be tolerated. In summary, the available evidence is currently insufficient to determine the role of this variant in disease. Therefore, it has been classified as a Variant of Uncertain Significance.

NM_002350.4(LYN):c.1013A>G (p.Lys338Arg)

Gene: LYN (LYN proto-oncogene, Src family tyrosine kinase; plus strand). Cytogenetic location: 8q12.1.
Variant type: single nucleotide variant.
Coding change: c.1013A>G on transcript NM_002350.4 (MANE Select); coding-DNA position 1013, A replaced by G.
Protein change: p.Lys338Arg; replaces lysine 338 with arginine.
Molecular consequence: missense variant.
Genome position (GRCh38, 1-based): chr8:55,969,756, A>G. VCF-style: chr8-55969756-A-G. GRCh37 (hg19) VCF-style: chr8-56882315-A-G.
Other names: c.950A>G, p.Lys317Arg (NM_001111097.3); short protein forms K338R, K317R.
Identifiers: ClinVar variation 3649336 (VCV003649336.2).
Genomic context (GRCh38, chr8:55,969,756, plus strand): 5'-TTGTTCTTTCTTTCTCCATAGGCAGTTTGCTGGATTTCCTGAAGAGCGATGAAGGTGGCA[A>G]AGTGCTGCTTCCAAAGCTCATTGACTTTTCTGCTCAGGTAACATATTCAAAAAGCCCCGT-3'
Protein context (NP_002341.1, residues 328-348): LDFLKSDEGG[Lys338Arg]VLLPKLIDFS